The following is an entry in ClinVar:

NM_152906.7(TANGO2):c.149T>C (p.Leu50Pro)

Gene: TANGO2 (transport and golgi organization 2 homolog; plus strand). Cytogenetic location: 22q11.21.
Variant type: single nucleotide variant.
Coding change: c.149T>C on transcript NM_152906.7 (MANE Select); coding-DNA position 149, T replaced by C.
Protein change: p.Leu50Pro; replaces leucine 50 with proline.
Molecular consequence: missense variant. On other transcripts: 5 prime UTR variant (12), non-coding transcript variant (5).
Genome position (GRCh38, 1-based): chr22:20,052,468, T>C. VCF-style: chr22-20052468-T-C. GRCh37 (hg19) VCF-style: chr22-20039991-T-C.
Other names: c.149T>C, p.Leu50Pro (NM_001283106.3, NM_001283116.3, NM_001283148.3 and 10 more transcripts); c.272T>C, p.Leu91Pro (NM_001283129.3, NM_001283215.3, NM_001322141.2 and 5 more transcripts); c.-31T>C (NM_001283235.3, NM_001322146.2, NM_001322148.2 and 9 more transcripts); short protein forms L50P, L91P.
Identifiers: ClinVar variation 450215 (VCV000450215.27), dbSNP rs1328647913, ClinGen allele CA410695466.

ClinVar aggregate classification (germline): Conflicting classifications of pathogenicity. Review status: criteria provided, conflicting classifications (1 of 4 stars). 3 submissions from 3 submitters: Likely pathogenic (1); Uncertain significance (2). Last evaluated 2024-05-13.

Allele frequency attached by ClinVar (database versions not stated): TOPMed below 0.00001; gnomAD exomes below 0.00001.
gnomAD v4.1: 2 of 1,600,232 alleles (0.00012%); highest among the groups gnomAD compares: Non-Finnish European, 0.00017%; no homozygotes.

Submissions (3):

Women's Health and Genetics/Laboratory Corporation of America, LabCorp
Classification: Uncertain significance. Last evaluated: 2024-05-13. Review status: criteria provided, single submitter. Criteria: LabCorp Variant Classification Summary - May 2015. Collection method: clinical testing. Allele origin: germline.
Comment: Variant summary: TANGO2 c.149T>C (p.Leu50Pro) results in a non-conservative amino acid change in the encoded protein sequence. Three of five in-silico tools predict a damaging effect of the variant on protein function. The variant was absent in 226962 control chromosomes (gnomAD). c.149T>C has been reported in the literature in at least two compound heterozygous individuals affected with TANGO2-deficiency disorder or primary mitochondrial disorder (e.g., Martin-Saavedra_2022, Miyake_2023). These data indicate that the variant may be associated with disease. To our knowledge, no experimental evidence demonstrating an impact on protein function has been reported. The following publications have been ascertained in the context of this evaluation (PMID: 34052969, 36473599). ClinVar contains an entry for this variant (Variation ID: 450215). Based on the evidence outlined above, the variant was classified as VUS-possibly pathogenic.

CeGaT Center for Human Genetics Tuebingen
Classification: Uncertain significance. Last evaluated: 2022-10-01. Review status: criteria provided, single submitter. Criteria: CeGaT Center For Human Genetics Tuebingen Variant Classification Criteria Version 2. Collection method: clinical testing. Allele origin: germline. Affected: yes. Observed: 1 variant allele.
Comment: TANGO2: PM2, PM3

GeneDx
Classification: Likely pathogenic. Last evaluated: 2017-06-27. Review status: criteria provided, single submitter. Criteria: GeneDx Variant Classification (06012015). Collection method: clinical testing. Allele origin: germline. Affected: yes.
Comment: The L50P variant in the TANGO2 gene has not been reported previously as a pathogenic variant, nor as a benign variant, to our knowledge. The L50P variant is not observed in large population cohorts (Lek et al., 2016; 1000 Genomes Consortium et al., 2015; Exome Variant Server). The L50P variant is a semi-conservative amino acid substitution, which may impact secondary protein structure as these residues differ in some properties. This substitution occurs at a position that is conserved across species. In silico analysis predicts this variant is probably damaging to the protein structure/function. We interpret L50P as a likely pathogenic variant.

Literature cited by the submitters: PubMed 34052969 (cited by Women's Health and Genetics/Laboratory Corporation of America, LabCorp); PubMed 36473599 (cited by Women's Health and Genetics/Laboratory Corporation of America, LabCorp).